The following is an entry in ClinVar:

ClinVar aggregate classification (germline): Uncertain significance (1 of 4 stars; one submission).

Conditions:
Dilated cardiomyopathy 1O (CMD1O). Also called: CARDIOMYOPATHY, DILATED, WITH VENTRICULAR TACHYCARDIA. Identifiers: Orphanet 154, MedGen C1837839, MONDO:0012062, OMIM 608569.

Submission:

Labcorp Genetics (formerly Invitae), Labcorp
Classification: Uncertain significance for Dilated cardiomyopathy 1O. Last evaluated: 2021-05-31. Review status: criteria provided, single submitter. Criteria: Invitae Variant Classification Sherloc (09022015). Collection method: clinical testing. Allele origin: germline.
Comment: In summary, the available evidence is currently insufficient to determine the role of this variant in disease. Therefore, it has been classified as a Variant of Uncertain Significance. Algorithms developed to predict the effect of missense changes on protein structure and function are either unavailable or do not agree on the potential impact of this missense change (SIFT: "Deleterious"; PolyPhen-2: "Probably Damaging"; Align-GVGD: "Class C0"). This variant has not been reported in the literature in individuals with ABCC9-related conditions. This variant is not present in population databases (ExAC no frequency). This sequence change replaces cysteine with serine at codon 24 of the ABCC9 protein (p.Cys24Ser). The cysteine residue is highly conserved and there is a moderate physicochemical difference between cysteine and serine.

NM_020297.4(ABCC9):c.71G>C (p.Cys24Ser)

Gene: ABCC9 (ATP binding cassette subfamily C member 9; minus strand). Cytogenetic location: 12p12.1.
Variant type: single nucleotide variant.
Coding change: c.71G>C on transcript NM_020297.4 (MANE Select); coding-DNA position 71, G replaced by C.
Protein change: p.Cys24Ser; replaces cysteine 24 with serine.
Molecular consequence: missense variant. On other transcripts: 5 prime UTR variant (1).
Genome position (GRCh38, 1-based): chr12:21,936,604, C>G on the plus strand (G>C on the coding strand, the complement: ABCC9 is on the minus strand). VCF-style: chr12-21936604-C-G. GRCh37 (hg19) VCF-style: chr12-22089538-C-G.
Other names: c.71G>C, p.Cys24Ser (NM_001377273.1, NM_005691.4); c.-384G>C (NM_001377274.1); short protein forms C24S.
Identifiers: ClinVar variation 1519046 (VCV001519046.8), dbSNP rs2138078170, ClinGen allele CA384133763.
Genomic context (GRCh38, chr12:21,936,604, plus strand): 5'-ATTGGAAAAGTGATAAACAACAGAAAGACATGAGGGACCAGGTTGAGGGCATCCACAAAG[C>G]AGGAATTTTGTAGTACACCATCGTTGATATTATATGAAGAAATGTTGTTACCACAAAATG-3'
Protein context (NP_064693.2, residues 14-34): NINDGVLQNS[Cys24Ser]FVDALNLVPH